The following is an entry in ClinVar:

ClinVar aggregate classification (germline): Conflicting classifications of pathogenicity. Review status: criteria provided, conflicting classifications (1 of 4 stars). 3 submissions from 3 submitters: Uncertain significance (2); Likely benign (1). Last evaluated 2026-05-19.

Conditions:
Hereditary cancer-predisposing syndrome. Also called: Hereditary Cancer Syndrome; Neoplastic Syndromes, Hereditary; Hereditary neoplastic syndrome; Tumor predisposition. Identifiers: Orphanet 140162, MedGen C0027672, MeSH D009386, MONDO:0015356.
Cardiovascular phenotype. Identifiers: MedGen CN230736.
Neurofibromatosis, type 1 (NF1). Also called: VON RECKLINGHAUSEN DISEASE; Neurofibromatosis, type I; NEUROFIBROMATOSIS, TYPE I, SOMATIC; Peripheral type neurofibromatosis. Identifiers: Orphanet 636, MedGen C0027831, MONDO:0018975, OMIM 162200. Disease mechanism: loss of function.

gnomAD v4.1: 1 of 1,614,090 alleles (0.000062%); highest among the groups gnomAD compares: Non-Finnish European, 0.000085%; no homozygotes.

Submissions (3):

Ambry Genetics
Classification: Likely benign for Cardiovascular phenotype; Hereditary cancer-predisposing syndrome. Last evaluated: 2026-05-19. Review status: criteria provided, single submitter. Criteria: Ambry Variant Classification Scheme 2023. Collection method: clinical testing. Allele origin: germline.

Labcorp Genetics (formerly Invitae), Labcorp
Classification: Uncertain significance for Neurofibromatosis, type 1. Last evaluated: 2022-09-05. Review status: criteria provided, single submitter. Criteria: Invitae Variant Classification Sherloc (09022015). Collection method: clinical testing. Allele origin: germline.
Comment: Advanced modeling of protein sequence and biophysical properties (such as structural, functional, and spatial information, amino acid conservation, physicochemical variation, residue mobility, and thermodynamic stability) performed at Invitae indicates that this missense variant is not expected to disrupt NF1 protein function. In summary, the available evidence is currently insufficient to determine the role of this variant in disease. Therefore, it has been classified as a Variant of Uncertain Significance. ClinVar contains an entry for this variant (Variation ID: 1692357). This variant has not been reported in the literature in individuals affected with NF1-related conditions. This variant is not present in population databases (gnomAD no frequency). This sequence change replaces serine, which is neutral and polar, with asparagine, which is neutral and polar, at codon 2730 of the NF1 protein (p.Ser2730Asn).

Sema4
Classification: Uncertain significance for Hereditary cancer-predisposing syndrome. Last evaluated: 2022-02-13. Review status: criteria provided, single submitter. Criteria: Sema4 Curation Guidelines. Collection method: curation. Allele origin: germline.
Comment: The NF1 c.8189G>A (p.S2730N) variant has not been reported in the literature to our knowledge. It was not observed in the large and broad cohorts of the Genome Aggregation Database (PMID: 32461654). This variant has not been reported in ClinVar. In silico tools suggest the impact of the variant on protein function is benign, though these predictions have not been confirmed by functional studies. The evidence is insufficient to meet ACMG/AMP criteria for classifying the variant as benign or pathogenic. Thus, the clinical significance of this variant is currently uncertain.

NM_001042492.3(NF1):c.8252G>A (p.Ser2751Asn)

Gene: NF1 (neurofibromin 1; plus strand). Cytogenetic location: 17q11.2.
Variant type: single nucleotide variant.
Coding change: c.8252G>A on transcript NM_001042492.3 (MANE Select); coding-DNA position 8252, G replaced by A.
Protein change: p.Ser2751Asn; replaces serine 2751 with asparagine.
Molecular consequence: missense variant.
Genome position (GRCh38, 1-based): chr17:31,360,578, G>A. VCF-style: chr17-31360578-G-A. GRCh37 (hg19) VCF-style: chr17-29687596-G-A.
Other names: c.8189G>A, p.Ser2730Asn (NM_000267.4); short protein forms S2730N, S2751N.
Identifiers: ClinVar variation 1692357 (VCV001692357.8), dbSNP rs2151587925, ClinGen allele CA399204682.
Genomic context (GRCh38, chr17:31,360,578, plus strand): 5'-TTGTTAAGTTTCTTGATGCCTTGATTGACACGTACCTGCCTGGAATTGATGAAGAAACCA[G>A]TGAAGAATCCCTCCTGACTCCCACATCTCCTTACCCTCCTGCACTGCAGAGCCAGCTTAG-3'
Protein context (NP_001035957.1, residues 2741-2761): TYLPGIDEET[Ser2751Asn]EESLLTPTSP